The following is an entry in ClinVar:

NM_001199753.2(CPT1C):c.1786G>C (p.Glu596Gln)

Gene: CPT1C (carnitine palmitoyltransferase 1C; plus strand). Cytogenetic location: 19q13.33.
Variant type: single nucleotide variant.
Coding change: c.1786G>C on transcript NM_001199753.2 (MANE Select); coding-DNA position 1786, G replaced by C.
Protein change: p.Glu596Gln; replaces glutamic acid 596 with glutamine.
Molecular consequence: missense variant. On other transcripts: non-coding transcript variant (1), intron variant (3).
Genome position (GRCh38, 1-based): chr19:49,710,777, G>C. VCF-style: chr19-49710777-G-C. GRCh37 (hg19) VCF-style: chr19-50214034-G-C.
Other names: c.1753G>C, p.Glu585Gln (NM_001136052.3, NM_001378485.1); c.1786G>C, p.Glu596Gln (NM_001199752.3, NM_001378483.1, NM_001378484.1 and 1 more transcripts); c.1852G>C, p.Glu618Gln (NM_001378482.1); c.1731+293G>C (NM_001378486.1, NM_001378488.1); c.1698+293G>C (NM_001378487.1); short protein forms E585Q, E596Q, E618Q.
Identifiers: ClinVar variation 2041656 (VCV002041656.4), dbSNP rs2083821452, ClinGen allele CA406908046.

ClinVar aggregate classification (germline): Uncertain significance (1 of 4 stars; one submission).

Conditions:
Hereditary spastic paraplegia 73. Also called: Spastic paraplegia 73, autosomal dominant. Identifiers: Orphanet 444099, MedGen C5568981, MONDO:0014568, OMIM 616282.

Allele frequency attached by ClinVar (database versions not stated): gnomAD exomes 0.00001.
gnomAD v4.1: 3 of 1,614,082 alleles (0.00019%); highest among the groups gnomAD compares: Non-Finnish European, 0.00025%; no homozygotes.

Submission:

Labcorp Genetics (formerly Invitae), Labcorp
Classification: Uncertain significance for Hereditary spastic paraplegia 73. Last evaluated: 2022-03-26. Review status: criteria provided, single submitter. Criteria: Invitae Variant Classification Sherloc (09022015). Collection method: clinical testing. Allele origin: germline.
Comment: In summary, the available evidence is currently insufficient to determine the role of this variant in disease. Therefore, it has been classified as a Variant of Uncertain Significance. Algorithms developed to predict the effect of missense changes on protein structure and function are either unavailable or do not agree on the potential impact of this missense change (SIFT: "Tolerated"; PolyPhen-2: "Probably Damaging"; Align-GVGD: "Class C0"). This variant has not been reported in the literature in individuals affected with CPT1C-related conditions. This variant is not present in population databases (gnomAD no frequency). This sequence change replaces glutamic acid, which is acidic and polar, with glutamine, which is neutral and polar, at codon 585 of the CPT1C protein (p.Glu585Gln).